The following is an entry in ClinVar:

ClinVar aggregate classification (germline): Uncertain significance (1 of 4 stars; one submission).

Conditions:
Inborn genetic diseases. Identifiers: MedGen C0950123, MeSH D030342.

Submission:

Ambry Genetics
Classification: Uncertain significance for Inborn genetic diseases. Last evaluated: 2025-12-07. Review status: criteria provided, single submitter. Criteria: Ambry Variant Classification Scheme 2023. Collection method: clinical testing. Allele origin: germline.
Comment: The p.V391A variant (also known as c.1172T>C), located in coding exon 5 of the SH2B3 gene, results from a T to C substitution at nucleotide position 1172. The valine at codon 391 is replaced by alanine, an amino acid with similar properties. This amino acid position is conserved. In addition, this alteration is predicted to be deleterious by in silico analysis. Based on the available evidence, the clinical significance of this variant remains unclear.

NM_005475.3(SH2B3):c.1172T>C (p.Val391Ala)

Gene: SH2B3 (SH2B adaptor protein 3; plus strand). Cytogenetic location: 12q24.12.
Variant type: single nucleotide variant.
Coding change: c.1172T>C on transcript NM_005475.3 (MANE Select); coding-DNA position 1172, T replaced by C.
Protein change: p.Val391Ala; replaces valine 391 with alanine.
Molecular consequence: missense variant.
Genome position (GRCh38, 1-based): chr12:111,447,480, T>C. VCF-style: chr12-111447480-T-C. GRCh37 (hg19) VCF-style: chr12-111885284-T-C.
Other names: c.566T>C, p.Val189Ala (NM_001291424.1); short protein forms V391A, V189A.
Identifiers: ClinVar variation 4630779 (VCV004630779.1).